The following is an entry in ClinVar:

NM_001081.4(CUBN):c.884-1G>A

Gene: CUBN (cubilin; minus strand). Cytogenetic location: 10p13.
Variant type: single nucleotide variant.
Coding change: c.884-1G>A on transcript NM_001081.4 (MANE Select); the canonical splice acceptor site of the intron before coding-DNA position 884, G replaced by A.
Molecular consequence: splice acceptor variant.
Genome position (GRCh38, 1-based): chr10:17,111,051, C>T on the plus strand (G>A on the coding strand, the complement: CUBN is on the minus strand). VCF-style: chr10-17111051-C-T. GRCh37 (hg19) VCF-style: chr10-17153050-C-T.
Identifiers: ClinVar variation 2771781 (VCV002771781.3), dbSNP rs2492087728, ClinGen allele CA376164790.

ClinVar aggregate classification (germline): Likely pathogenic (1 of 4 stars; one submission).

Conditions:
Imerslund-Grasbeck syndrome. Also called: ENTEROCYTE COBALAMIN MALABSORPTION; ENTEROCYTE INTRINSIC FACTOR RECEPTOR, DEFECT OF; PERNICIOUS ANEMIA, JUVENILE, DUE TO SELECTIVE INTESTINAL MALABSORPTION OF VITAMIN B12, WITH PROTEINURIA; Imerslund-Gräsbeck syndrome; Megaloblastic anemia due to inborn errors of metabolism. Identifiers: Orphanet 35858, MedGen C4551825, MONDO:0009853.

Submission:

Labcorp Genetics (formerly Invitae), Labcorp
Classification: Likely pathogenic for Imerslund-Grasbeck syndrome. Last evaluated: 2025-09-02. Review status: criteria provided, single submitter. Criteria: Invitae Variant Classification Sherloc (09022015). Collection method: clinical testing. Allele origin: germline.
Comment: This sequence change affects an acceptor splice site in intron 8 of the CUBN gene. It is expected to disrupt RNA splicing. Variants that disrupt the donor or acceptor splice site typically lead to a loss of protein function (PMID: 16199547), and loss-of-function variants in CUBN are known to be pathogenic (PMID: 15024727, 22929189, 25349199, 31613795, 34979989). This variant is not present in population databases (gnomAD no frequency). This variant has not been reported in the literature in individuals affected with CUBN-related conditions. ClinVar contains an entry for this variant (Variation ID: 2771781). Algorithms developed to predict the effect of sequence changes on RNA splicing suggest that this variant may disrupt the consensus splice site. In summary, the currently available evidence indicates that the variant is pathogenic, but additional data are needed to prove that conclusively. Therefore, this variant has been classified as Likely Pathogenic.

Literature cited by the submitters: PubMed 16199547; PubMed 15024727; PubMed 22929189; PubMed 25349199; PubMed 31613795; PubMed 34979989.